The following is an entry in ClinVar:

NM_004260.4(RECQL4):c.2105C>T (p.Ser702Phe)

Gene: RECQL4 (RecQ like helicase 4; minus strand). Cytogenetic location: 8q24.3.
Variant type: single nucleotide variant.
Coding change: c.2105C>T on transcript NM_004260.4 (MANE Select); coding-DNA position 2105, C replaced by T.
Protein change: p.Ser702Phe; replaces serine 702 with phenylalanine.
Molecular consequence: missense variant. On other transcripts: non-coding transcript variant (2).
Genome position (GRCh38, 1-based): chr8:144,513,666, G>A on the plus strand (C>T on the coding strand, the complement: RECQL4 is on the minus strand). VCF-style: chr8-144513666-G-A. GRCh37 (hg19) VCF-style: chr8-145739050-G-A.
Other names: c.2009C>T, p.Ser670Phe (NM_001413017.1, NM_001413020.1); c.2105C>T, p.Ser702Phe (NM_001413018.1, NM_001413019.1, NM_001413036.1); c.1034C>T, p.Ser345Phe (NM_001413021.1, NM_001413022.1, NM_001413034.1 and 6 more transcripts); c.1973C>T, p.Ser658Phe (NM_001413033.1); c.902C>T, p.Ser301Phe (NM_001413037.1); c.2075C>T, p.Ser692Phe (NM_001413039.1); c.968C>T, p.Ser323Phe (NM_001413041.1, NM_001413027.1, NM_001413030.1 and 1 more transcripts); c.1004C>T, p.Ser335Phe (NM_001413042.1); and 4 more; short protein forms S323F, S335F, S345F, S670F, S692F, S301F, S659F, S702F.
Identifiers: ClinVar variation 4628972 (VCV004628972.1).

ClinVar aggregate classification (germline): Uncertain significance (1 of 4 stars; one submission).

Conditions:
Inborn genetic diseases. Identifiers: MedGen C0950123, MeSH D030342.

gnomAD v4.1: 1 of 1,560,912 alleles (0.000064%); highest among the groups gnomAD compares: Non-Finnish European, 0.000087%; no homozygotes.

Submission:

Ambry Genetics
Classification: Uncertain significance for Inborn genetic diseases. Last evaluated: 2025-11-18. Review status: criteria provided, single submitter. Criteria: Ambry Variant Classification Scheme 2023. Collection method: clinical testing. Allele origin: germline.
Comment: The p.S702F variant (also known as c.2105C>T), located in coding exon 13 of the RECQL4 gene, results from a C to T substitution at nucleotide position 2105. The serine at codon 702 is replaced by phenylalanine, an amino acid with highly dissimilar properties. This amino acid position is conserved. In addition, this alteration is predicted to be deleterious by in silico analysis. Based on the available evidence, the clinical significance of this variant remains unclear.